The following is an entry in ClinVar:

NM_000540.3(RYR1):c.8256C>A (p.Asp2752Glu)

Gene: RYR1 (ryanodine receptor 1; plus strand). Cytogenetic location: 19q13.2.
Variant type: single nucleotide variant.
Coding change: c.8256C>A on transcript NM_000540.3 (MANE Select); coding-DNA position 8256, C replaced by A.
Protein change: p.Asp2752Glu; replaces aspartic acid 2752 with glutamic acid.
Molecular consequence: missense variant.
Genome position (GRCh38, 1-based): chr19:38,505,027, C>A. VCF-style: chr19-38505027-C-A. GRCh37 (hg19) VCF-style: chr19-38995667-C-A.
Other names: c.8256C>A, p.Asp2752Glu (NM_001042723.2); short protein forms D2752E.
Identifiers: ClinVar variation 3071973 (VCV003071973.1), dbSNP rs2514356067, ClinGen allele CA405677144.

ClinVar aggregate classification (germline): Uncertain significance (1 of 4 stars; one submission).

Conditions:
Malignant hyperthermia, susceptibility to, 1 (MHS1). Also called: Anesthesia related hyperthermia; Malignant hyperpyrexia; Fulminating hyperpyrexia; Pharmacogenic myopathy; RYR1-Related Malignant Hyperthermia Susceptibility; Malignant hyperthermia suceptibility 1. Identifiers: Orphanet 423, MedGen C2930980, MONDO:0007783, OMIM 145600.

Submission:

All of Us Research Program, National Institutes of Health
Classification: Uncertain significance for Malignant hyperthermia, susceptibility to, 1. Last evaluated: 2023-06-26. Review status: criteria provided, single submitter. Criteria: ACMG Guidelines, 2015. Collection method: clinical testing. Allele origin: germline. Inheritance: Autosomal dominant inheritance. Observed: 1 variant allele, 1 heterozygote.
Comment: This missense variant replaces aspartic acid with glutamic acid at codon 2752 of the RYR1 protein. Computational prediction suggests that this variant may not impact protein structure and function (internally defined REVEL score threshold <= 0.5, PMID: 27666373). To our knowledge, functional studies have not been reported for this variant. This variant has not been reported in individuals affected with RYR1-related disorders in the literature. This variant has not been identified in the general population by the Genome Aggregation Database (gnomAD). The available evidence is insufficient to determine the role of this variant in disease conclusively. Therefore, this variant is classified as a Variant of Uncertain Significance.

This study involves interpretation of variants in research participants for the purpose of population health screening. Participant phenotype was not available at the time of variant classification. Additional details can be found in publication PMID: 35346344, PMCID: PMC8962531